The following is an entry in ClinVar:

ClinVar aggregate classification (germline): Likely benign. Review status: criteria provided, multiple submitters, no conflicts (2 of 4 stars). 4 submissions from 4 submitters: Likely benign (4). Last evaluated 2025-12-01.

Conditions:
Developmental and epileptic encephalopathy, 31A. Also called: Epileptic encephalopathy, early infantile, 31; Developmental and epileptic encephalopathy, 31. Identifiers: Orphanet 2382, MedGen C4225357, MONDO:0014598, OMIM 616346.

Allele frequency attached by ClinVar (database versions not stated): gnomAD 0.00013 and 0.00016; gnomAD exomes 0.00013; TOPMed 0.00014; ESP Exome Variant Server 0.00015; ExAC 0.00010.
gnomAD v4.1: 332 of 1,605,106 alleles (0.021%); highest among the groups gnomAD compares: Non-Finnish European, 0.025%; no homozygotes.

Submissions (4):

Labcorp Genetics (formerly Invitae), Labcorp
Classification: Likely benign for Developmental and epileptic encephalopathy, 31A. Last evaluated: 2025-12-01. Review status: criteria provided, single submitter. Criteria: Invitae Variant Classification Sherloc (09022015). Collection method: clinical testing. Allele origin: germline.

CeGaT Center for Human Genetics Tuebingen
Classification: Likely benign. Last evaluated: 2025-01-01. Review status: criteria provided, single submitter. Criteria: CeGaT Center For Human Genetics Tuebingen Variant Classification Criteria Version 2. Collection method: clinical testing. Allele origin: germline. Affected: yes. Observed: 4 variant alleles.
Comment: DNM1: BP4

Blueprint Genetics
Classification: Likely benign. Last evaluated: 2024-05-24. Review status: criteria provided, single submitter. Criteria: ACMG Guidelines, 2015. Collection method: clinical testing. Allele origin: germline.

GeneDx
Classification: Likely benign. Last evaluated: 2017-12-07. Review status: criteria provided, single submitter. Criteria: GeneDx Variant Classification (06012015). Collection method: clinical testing. Allele origin: germline. Affected: yes.
Comment: This variant is considered likely benign or benign based on one or more of the following criteria: it is a conservative change, it occurs at a poorly conserved position in the protein, it is predicted to be benign by multiple in silico algorithms, and/or has population frequency not consistent with disease.

NM_004408.4(DNM1):c.1335+8G>A

Gene: DNM1 (dynamin 1; plus strand). Cytogenetic location: 9q34.11.
Variant type: single nucleotide variant.
Coding change: c.1335+8G>A on transcript NM_004408.4 (MANE Select); 8 bases into the intron after coding-DNA position 1335, G replaced by A.
Molecular consequence: intron variant.
Genome position (GRCh38, 1-based): chr9:128,224,397, G>A. VCF-style: chr9-128224397-G-A. GRCh37 (hg19) VCF-style: chr9-130986676-G-A.
Other names: c.1335+8G>A (NM_001005336.3); c.1196+1537G>A (NM_001288738.2, NM_001288737.2, NM_001288739.2).
Identifiers: ClinVar variation 507423 (VCV000507423.40), dbSNP rs374438127, ClinGen allele CA5258055.